The following is an entry in ClinVar:

ClinVar aggregate classification (germline): Conflicting classifications of pathogenicity. Review status: criteria provided, conflicting classifications (1 of 4 stars). 3 submissions from 3 submitters: Uncertain significance (2); Likely benign (1). Last evaluated 2026-01-27.

Conditions:
Primary familial hypertrophic cardiomyopathy (HCM). Identifiers: Orphanet 99739, MedGen C0949658, MeSH D024741, MONDO:0024573. Inheritance: Various modes of inheritance.

Allele frequency attached by ClinVar (database versions not stated): gnomAD exomes 0.00003 and 0.00010; ExAC 0.00011; gnomAD 0.00040 and 0.00046; ESP Exome Variant Server 0.00046; TOPMed 0.00059.
gnomAD v4.1: 108 of 1,614,014 alleles (0.0067%); highest among the groups gnomAD compares: African/African-American, 0.1%; no homozygotes.

Submissions (3):

Labcorp Genetics (formerly Invitae), Labcorp
Classification: Likely benign for Primary familial hypertrophic cardiomyopathy. Last evaluated: 2026-01-27. Review status: criteria provided, single submitter. Criteria: Invitae Variant Classification Sherloc (09022015). Collection method: clinical testing. Allele origin: germline.

Clinical Genomics Laboratory, Washington University in St. Louis
Classification: Uncertain significance. Last evaluated: 2025-10-07. Review status: criteria provided, single submitter. Criteria: ACMG Guidelines, 2015. Collection method: clinical testing. Allele origin: germline.
Comment: An ILK c.669G>T (p.Lys223Asn) missense variant was identified in a heterozygous state. This variant, to our knowledge, has not been reported in the medical literature. It is only observed on 35/282,812 alleles in the general population (gnomAD v2.1.1), indicating it is not a common variant. Computational predictors suggest that the variant does not impact ILK function. The clinical significance of this variant is uncertain.

GeneDx
Classification: Uncertain significance. Last evaluated: 2017-10-19. Review status: criteria provided, single submitter. Criteria: GeneDx Variant Classification (06012015). Collection method: clinical testing. Allele origin: germline. Affected: yes.
Comment: A variant of uncertain significance has been identified in the ILK gene. The K223N variant has not been published as pathogenic or been reported as benign to our knowledge. This variant is observed in 31/24028 (0.13%) alleles from individuals of African ancestry in large population cohorts, indicating it may be a rare benign variant in this population (Lek et al., 2016). Nevertheless, the K223N variant is a semi-conservative amino acid substitution, which may impact secondary protein structure as these residues differ in some properties. This substitution occurs at a position that is conserved across species, and in silico analysis suggests that this variant is probably damaging to the protein structure/function.

NM_004517.4(ILK):c.669G>T (p.Lys223Asn)

Genes: ILK (integrin linked kinase; plus strand), TAF10 (TATA-box binding protein associated factor 10; minus strand). Cytogenetic location: 11p15.4.
Variant type: single nucleotide variant.
Coding change: c.669G>T on transcript NM_004517.4 (MANE Select); coding-DNA position 669, G replaced by T.
Protein change: p.Lys223Asn; replaces lysine 223 with asparagine.
Molecular consequence: missense variant. On other transcripts: 3 prime UTR variant (1).
Genome position (GRCh38, 1-based): chr11:6,609,349, G>T. VCF-style: chr11-6609349-G-T. GRCh37 (hg19) VCF-style: chr11-6630580-G-T.
Other names: p.K223N:AAG>AAT; c.669G>T, p.Lys223Asn (NM_001014794.3, NM_001014795.3); c.486G>T, p.Lys162Asn (NM_001278441.2); c.267G>T, p.Lys89Asn (NM_001278442.2); c.*1573C>A (NM_006284.4); short protein forms K223N, K162N, K89N.
Identifiers: ClinVar variation 201791 (VCV000201791.14), dbSNP rs147368550, ClinGen allele CA335205.
Genomic context (GRCh38, chr11:6,609,349, plus strand): 5'-TGTCCTGCAGCTATGGAAGGGCCGCTGGCAGGGCAATGACATTGTCGTGAAGGTGCTGAA[G>T]GTTCGAGACTGGAGTACAAGGAAGAGCAGGGACTTCAATGAAGAGTGTCCCCGGCTCAGG-3'
Protein context (NP_004508.1, residues 213-233): QGNDIVVKVL[Lys223Asn]VRDWSTRKSR